The following is an entry in ClinVar:

ClinVar aggregate classification (germline): Uncertain significance (1 of 4 stars; one submission).

Conditions:
Autosomal recessive limb-girdle muscular dystrophy type 2O. Also called: Limb-Girdle Muscular Dystrophy Type 3C; MUSCULAR DYSTROPHY-DYSTROGLYCANOPATHY (LIMB-GIRDLE), TYPE C, 3; MUSCULAR DYSTROPHY-DYSTROGLYCANOPATHY, LIMB-GIRDLE, POMGNT1-RELATED. Identifiers: Orphanet 206564, MedGen C3150417, MONDO:0013161, OMIM 613157.
Muscular dystrophy-dystroglycanopathy (congenital with impaired intellectual development), type B, 3. Also called: MUSCULAR DYSTROPHY, CONGENITAL, POMGNT1-RELATED; Muscular dystrophy-dystroglycanopathy (congenital with intellectual disability), type B3. Identifiers: MedGen C3150412, MONDO:0013155, OMIM 613151.

Submission:

Labcorp Genetics (formerly Invitae), Labcorp
Classification: Uncertain significance for Autosomal recessive limb-girdle muscular dystrophy type 2O; Muscular dystrophy-dystroglycanopathy (congenital with impaired intellectual development), type B, 3. Last evaluated: 2022-06-27. Review status: criteria provided, single submitter. Criteria: Invitae Variant Classification Sherloc (09022015). Collection method: clinical testing. Allele origin: germline.
Comment: Advanced modeling of protein sequence and biophysical properties (such as structural, functional, and spatial information, amino acid conservation, physicochemical variation, residue mobility, and thermodynamic stability) performed at Invitae indicates that this missense variant is not expected to disrupt POMGNT1 protein function. This variant has not been reported in the literature in individuals affected with POMGNT1-related conditions. This variant is not present in population databases (gnomAD no frequency). This sequence change replaces glutamic acid, which is acidic and polar, with aspartic acid, which is acidic and polar, at codon 650 of the POMGNT1 protein (p.Glu650Asp). In summary, the available evidence is currently insufficient to determine the role of this variant in disease. Therefore, it has been classified as a Variant of Uncertain Significance.

NM_017739.4(POMGNT1):c.1950G>C (p.Glu650Asp)

Genes: POMGNT1 (protein O-linked mannose N-acetylglucosaminyltransferase 1 (beta 1,2-); minus strand), TSPAN1 (tetraspanin 1; plus strand). Cytogenetic location: 1p34.1.
Variant type: single nucleotide variant.
Coding change: c.1950G>C on transcript NM_017739.4 (MANE Select); coding-DNA position 1950, G replaced by C.
Protein change: p.Glu650Asp; replaces glutamic acid 650 with aspartic acid.
Molecular consequence: missense variant. On other transcripts: intron variant (1).
Genome position (GRCh38, 1-based): chr1:46,189,303, C>G on the plus strand (G>C on the coding strand, the complement: POMGNT1 is on the minus strand). VCF-style: chr1-46189303-C-G. GRCh37 (hg19) VCF-style: chr1-46654975-C-G.
Other names: c.1924G>C, p.Gly642Arg (NM_001243766.2); c.1884G>C, p.Glu628Asp (NM_001290129.3); c.1521G>C, p.Glu507Asp (NM_001290130.2); c.1895+155G>C (NM_001410783.1); short protein forms E507D, G642R, E628D, E650D.
Identifiers: ClinVar variation 1347160 (VCV001347160.6), dbSNP rs2148161681, ClinGen allele CA340170264.
Genomic context (GRCh38, chr1:46,189,303, plus strand): 5'-CAGCCCCGCAGGGTCCTGGAGGAGGTCTCATGTCTGTTCTGGGGCTCCTGGGGCTCCCTC[C>G]TCCTTTGGGGGTGGCTCCAGGAAAATTGGGGTGACTGAGGGTGGCTTCTTCACTCTGGGA-3'
Protein context (NP_060209.4, residues 640-660): TPIFLEPPPK[Glu650Asp]EGAPGAPEQT